The following is an entry in ClinVar:

ClinVar aggregate classification (germline): Uncertain significance (1 of 4 stars; one submission).

Conditions:
Inborn genetic diseases. Identifiers: MedGen C0950123, MeSH D030342.

Allele frequency attached by ClinVar (database versions not stated): gnomAD 0.00001.

Submission:

Ambry Genetics
Classification: Uncertain significance for Inborn genetic diseases. Last evaluated: 2022-04-20. Review status: criteria provided, single submitter. Criteria: Ambry Variant Classification Scheme 2023. Collection method: clinical testing. Allele origin: germline.
Comment: The p.K1600E variant (also known as c.4798A>G), located in coding exon 27 of the ATR gene, results from an A to G substitution at nucleotide position 4798. The lysine at codon 1600 is replaced by glutamic acid, an amino acid with similar properties. This amino acid position is conserved. In addition, this alteration is predicted to be tolerated by in silico analysis. Since supporting evidence is limited at this time, the clinical significance of this alteration remains unclear.

NM_001184.4(ATR):c.4798A>G (p.Lys1600Glu)

Gene: ATR (ATR checkpoint kinase; minus strand). Cytogenetic location: 3q23.
Variant type: single nucleotide variant.
Coding change: c.4798A>G on transcript NM_001184.4 (MANE Select); coding-DNA position 4798, A replaced by G.
Protein change: p.Lys1600Glu; replaces lysine 1600 with glutamic acid.
Molecular consequence: missense variant.
Genome position (GRCh38, 1-based): chr3:142,512,314, T>C on the plus strand (A>G on the coding strand, the complement: ATR is on the minus strand). VCF-style: chr3-142512314-T-C. GRCh37 (hg19) VCF-style: chr3-142231156-T-C.
Other names: c.4606A>G, p.Lys1536Glu (NM_001354579.2); short protein forms K1536E, K1600E.
Identifiers: ClinVar variation 1743140 (VCV001743140.2), dbSNP rs2032619265, ClinGen allele CA354795193.